The following is an entry in ClinVar:

ClinVar aggregate classification (germline): Likely benign. Review status: criteria provided, multiple submitters, no conflicts (2 of 4 stars). 2 submissions from 2 submitters: Likely benign (2). Last evaluated 2025-07-01.

Conditions:
SLC10A2-related disorder. Also called: SLC10A2-related condition.

gnomAD v4.1: 51 of 1,613,690 alleles (0.0032%); highest among the groups gnomAD compares: South Asian, 0.0066%; no homozygotes.

Submissions (2):

PreventionGenetics, part of Exact Sciences
Classification: Likely benign for SLC10A2-related condition. Last evaluated: 2025-07-01. Review status: criteria provided, single submitter. Criteria: ACMG Guidelines, 2015. Collection method: clinical testing. Allele origin: germline.
Comment: This variant is classified as likely benign based on ACMG/AMP sequence variant interpretation guidelines (Richards et al. 2015 PMID: 25741868, with internal and published modifications).

Labcorp Genetics (formerly Invitae), Labcorp
Classification: Likely benign. Last evaluated: 2025-02-04. Review status: criteria provided, single submitter. Criteria: Invitae Variant Classification Sherloc (09022015). Collection method: clinical testing. Allele origin: germline.

NM_000452.3(SLC10A2):c.600G>A (p.Ala200=)

Gene: SLC10A2 (solute carrier family 10 member 2; minus strand). Cytogenetic location: 13q33.1.
Variant type: single nucleotide variant.
Coding change: c.600G>A on transcript NM_000452.3 (MANE Select); coding-DNA position 600, G replaced by A.
Protein change: p.Ala200=; no amino-acid change (alanine 200 retained).
Molecular consequence: synonymous variant.
Genome position (GRCh38, 1-based): chr13:103,051,418, C>T on the plus strand (G>A on the coding strand, the complement: SLC10A2 is on the minus strand). VCF-style: chr13-103051418-C-T. GRCh37 (hg19) VCF-style: chr13-103703768-C-T.
Other names: c.600G>A (NM_000452.2).
Identifiers: ClinVar variation 3619743 (VCV003619743.3).